The following is an entry in ClinVar:

ClinVar aggregate classification (germline): Benign (1 of 4 stars; one submission).

Allele frequency attached by ClinVar (database versions not stated): 1000 Genomes Project 30x 0.00593; 1000 Genomes Project 0.00599; TOPMed 0.01604; gnomAD 0.01962 and 0.02036; gnomAD exomes 0.02249.
gnomAD v4.1: 12,094 of 556,562 alleles (2.2%); highest among the groups gnomAD compares: Non-Finnish European, 2.6%; 200 homozygotes.

Submission:

GeneDx
Classification: Benign. Last evaluated: 2018-06-14. Review status: criteria provided, single submitter. Criteria: GeneDx Variant Classification (06012015). Collection method: clinical testing. Allele origin: germline. Affected: yes.
Comment: This variant is considered likely benign or benign based on one or more of the following criteria: it is a conservative change, it occurs at a poorly conserved position in the protein, it is predicted to be benign by multiple in silico algorithms, and/or has population frequency not consistent with disease.

NM_001182.5(ALDH7A1):c.1094-224T>G

Gene: ALDH7A1 (aldehyde dehydrogenase 7 family member A1; minus strand). Cytogenetic location: 5q23.2.
Variant type: single nucleotide variant.
Coding change: c.1094-224T>G on transcript NM_001182.5 (MANE Select); 224 bases into the intron before coding-DNA position 1094, T replaced by G.
Molecular consequence: intron variant.
Genome position (GRCh38, 1-based): chr5:126,554,617, A>C on the plus strand (T>G on the coding strand, the complement: ALDH7A1 is on the minus strand). VCF-style: chr5-126554617-A-C. GRCh37 (hg19) VCF-style: chr5-125890309-A-C.
Other names: c.1009-2480T>G (NM_001202404.2); c.1010-224T>G (NM_001201377.2).
Identifiers: ClinVar variation 677423 (VCV000677423.1), dbSNP rs78160493, ClinGen allele CA126887765.